The following is an entry in ClinVar:

ClinVar aggregate classification (germline): Uncertain significance (1 of 4 stars; one submission).

gnomAD v4.1: 1 of 1,613,922 alleles (0.000062%); highest among the groups gnomAD compares: Non-Finnish European, 0.000085%; no homozygotes.

Submission:

Quest Diagnostics Nichols Institute San Juan Capistrano
Classification: Uncertain significance. Last evaluated: 2025-03-17. Review status: criteria provided, single submitter. Criteria: Quest Diagnostics criteria. Collection method: clinical testing. Allele origin: unknown.
Comment: The APOB c.13213G>A (p.Glu4405Lys) variant has not been reported in individuals with APOB-related conditions in the published literature. It also has not been reported in large, multi-ethnic general populations (Genome Aggregation Database). Analysis of this variant using bioinformatics tools for the prediction of the effect of amino acid changes on protein structure and function yielded conflicting predictions that this variant is benign or damaging. Based on the available information, we are unable to determine the clinical significance of this variant.

NM_000384.3(APOB):c.13213G>A (p.Glu4405Lys)

Gene: APOB (apolipoprotein B; minus strand). Cytogenetic location: 2p24.1.
Variant type: single nucleotide variant.
Coding change: c.13213G>A on transcript NM_000384.3 (MANE Select); coding-DNA position 13213, G replaced by A.
Protein change: p.Glu4405Lys; replaces glutamic acid 4405 with lysine.
Molecular consequence: missense variant.
Genome position (GRCh38, 1-based): chr2:21,002,209, C>T on the plus strand (G>A on the coding strand, the complement: APOB is on the minus strand). VCF-style: chr2-21002209-C-T. GRCh37 (hg19) VCF-style: chr2-21225081-C-T.
Other names: short protein forms E4405K.
Identifiers: ClinVar variation 4532932 (VCV004532932.1).
Genomic context (GRCh38, chr2:21,002,209, plus strand): 5'-ATTCAGAATGGAAGTCCTTAAGAGCAACTAACAGGTTCTTGATCAGACTGACTATCTTTT[C>T]TTCAAGTTCATAATATTTCACTGTCCAGCCAACTATACTTGGATCAAAATATTCTTCACG-3'
Protein context (NP_000375.3, residues 4395-4415): GWTVKYYELE[Glu4405Lys]KIVSLIKNLL